The following is an entry in ClinVar:

ClinVar aggregate classification (germline): Uncertain significance (1 of 4 stars; one submission).

Conditions:
Cardiovascular phenotype. Identifiers: MedGen CN230736.

Submission:

Ambry Genetics
Classification: Uncertain significance for Cardiovascular phenotype. Last evaluated: 2025-12-26. Review status: criteria provided, single submitter. Criteria: Ambry Variant Classification Scheme 2023. Collection method: clinical testing. Allele origin: germline.
Comment: The p.P903L variant (also known as c.2708C>T), located in coding exon 42 of the COL1A2 gene, results from a C to T substitution at nucleotide position 2708. The proline at codon 903 is replaced by leucine, an amino acid with similar properties. This amino acid position is conserved. In addition, the in silico prediction for this alteration is inconclusive. Based on the available evidence, the clinical significance of this variant remains unclear.

NM_000089.4(COL1A2):c.2708C>T (p.Pro903Leu)

Gene: COL1A2 (collagen type I alpha 2 chain; plus strand). Cytogenetic location: 7q21.3.
Variant type: single nucleotide variant.
Coding change: c.2708C>T on transcript NM_000089.4 (MANE Select); coding-DNA position 2708, C replaced by T.
Protein change: p.Pro903Leu; replaces proline 903 with leucine.
Molecular consequence: missense variant.
Genome position (GRCh38, 1-based): chr7:94,425,151, C>T. VCF-style: chr7-94425151-C-T. GRCh37 (hg19) VCF-style: chr7-94054463-C-T.
Other names: short protein forms P903L.
Identifiers: ClinVar variation 4843203 (VCV004843203.1).
Genomic context (GRCh38, chr7:94,425,151, plus strand): 5'-TCATTTTATCTTCTCTGCCTGTTTAGGGTGAACCTGGTCCTCTTGGCATTGCCGGCCCTC[C>T]TGGGGCCCGTGGTCCTCCTGGTGCTGTGGGTAGTCCTGGAGTCAACGGTGCTCCTGGTGA-3'
Protein context (NP_000080.2, residues 893-913): EPGPLGIAGP[Pro903Leu]GARGPPGAVG